The following is an entry in ClinVar:

NM_001197104.2(KMT2A):c.6860C>G (p.Ser2287Ter)

Gene: KMT2A (lysine methyltransferase 2A; plus strand). Cytogenetic location: 11q23.3.
Variant type: single nucleotide variant.
Coding change: c.6860C>G on transcript NM_001197104.2 (MANE Select); coding-DNA position 6860, C replaced by G.
Protein change: p.Ser2287Ter; replaces serine 2287 with a stop codon.
Molecular consequence: nonsense.
Genome position (GRCh38, 1-based): chr11:118,502,752, C>G. VCF-style: chr11-118502752-C-G. GRCh37 (hg19) VCF-style: chr11-118373467-C-G.
Other names: c.6950C>G, p.Ser2317Ter (NM_001412597.1); c.6851C>G, p.Ser2284Ter (NM_005933.4); short protein forms S2284*, S2287*, S2317*.
Identifiers: ClinVar variation 2701450 (VCV002701450.3), dbSNP rs2134386428, ClinGen allele CA382803263.

ClinVar aggregate classification (germline): Pathogenic (1 of 4 stars; one submission).

Submission:

Labcorp Genetics (formerly Invitae), Labcorp
Classification: Pathogenic. Last evaluated: 2023-12-08. Review status: criteria provided, single submitter. Criteria: Invitae Variant Classification Sherloc (09022015). Collection method: clinical testing. Allele origin: germline.
Comment: This sequence change creates a premature translational stop signal (p.Ser2287*) in the KMT2A gene. It is expected to result in an absent or disrupted protein product. Loss-of-function variants in KMT2A are known to be pathogenic (PMID: 22795537, 25810209, 29574747). This variant is not present in population databases (gnomAD no frequency). This variant has not been reported in the literature in individuals affected with KMT2A-related conditions. For these reasons, this variant has been classified as Pathogenic.

Literature cited by the submitters: PubMed 22795537; PubMed 25810209; PubMed 29574747.